The following is an entry in ClinVar:

NM_020937.4(FANCM):c.5890G>A (p.Val1964Met)

Gene: FANCM (FA complementation group M; plus strand). Cytogenetic location: 14q21.2.
Variant type: single nucleotide variant.
Coding change: c.5890G>A on transcript NM_020937.4 (MANE Select); coding-DNA position 5890, G replaced by A.
Protein change: p.Val1964Met; replaces valine 1964 with methionine.
Molecular consequence: missense variant.
Genome position (GRCh38, 1-based): chr14:45,198,817, G>A. VCF-style: chr14-45198817-G-A. GRCh37 (hg19) VCF-style: chr14-45668020-G-A.
Other names: c.5812G>A, p.Val1938Met (NM_001308133.2); short protein forms V1938M, V1964M.
Identifiers: ClinVar variation 4871086 (VCV004871086.1).
Genomic context (GRCh38, chr14:45,198,817, plus strand): 5'-TTGCTAAAGGAACTGTCTTTAGTGGAACAAAGAAAGAATGTTGGTATTCATGTTCCAACA[G>A]TGGTGAATAGTAATAAAAGTGAGGCACTCCAGTTTTATTTAAGTATTCCCAATATAAGTT-3'
Protein context (NP_065988.1, residues 1954-1974): RKNVGIHVPT[Val1964Met]VNSNKSEALQ

ClinVar aggregate classification (germline): Uncertain significance (1 of 4 stars; one submission).

Conditions:
Inborn genetic diseases. Identifiers: MedGen C0950123, MeSH D030342.

Submission:

Ambry Genetics
Classification: Uncertain significance for Inborn genetic diseases. Last evaluated: 2026-04-19. Review status: criteria provided, single submitter. Criteria: Ambry Variant Classification Scheme 2023. Collection method: clinical testing. Allele origin: germline.
Comment: The p.V1964M variant (also known as c.5890G>A), located in coding exon 22 of the FANCM gene, results from a G to A substitution at nucleotide position 5890. The valine at codon 1964 is replaced by methionine, an amino acid with highly similar properties. This amino acid position is conserved. In addition, this alteration is predicted to be tolerated by in silico analysis. Based on the available evidence, the clinical significance of this variant remains unclear.